The following is an entry in ClinVar:

ClinVar aggregate classification (germline): Uncertain significance (1 of 4 stars; one submission).

Submission:

Labcorp Genetics (formerly Invitae), Labcorp
Classification: Uncertain significance. Last evaluated: 2022-01-25. Review status: criteria provided, single submitter. Criteria: Invitae Variant Classification Sherloc (09022015). Collection method: clinical testing. Allele origin: germline.
Comment: This sequence change replaces glutamine, which is neutral and polar, with histidine, which is basic and polar, at codon 191 of the NTHL1 protein (p.Gln191His). This variant is not present in population databases (gnomAD no frequency). This variant has not been reported in the literature in individuals affected with NTHL1-related conditions. Algorithms developed to predict the effect of missense changes on protein structure and function are either unavailable or do not agree on the potential impact of this missense change (SIFT: "Not Available"; PolyPhen-2: "Possibly Damaging"; Align-GVGD: "Not Available"). In summary, the available evidence is currently insufficient to determine the role of this variant in disease. Therefore, it has been classified as a Variant of Uncertain Significance.

NM_002528.7(NTHL1):c.549G>C (p.Gln183His)

Gene: NTHL1 (nth like DNA glycosylase 1; minus strand). Cytogenetic location: 16p13.3.
Variant type: single nucleotide variant.
Coding change: c.549G>C on transcript NM_002528.7 (MANE Select); coding-DNA position 549, G replaced by C.
Protein change: p.Gln183His; replaces glutamine 183 with histidine.
Molecular consequence: missense variant.
Genome position (GRCh38, 1-based): chr16:2,043,703, C>G on the plus strand (G>C on the coding strand, the complement: NTHL1 is on the minus strand). VCF-style: chr16-2043703-C-G. GRCh37 (hg19) VCF-style: chr16-2093704-C-G.
Other names: c.378G>C, p.Gln126His (NM_001318193.2); c.219G>C, p.Gln73His (NM_001318194.2); short protein forms Q126H, Q183H, Q73H.
Identifiers: ClinVar variation 2089395 (VCV002089395.4), dbSNP rs2548315226, ClinGen allele CA394292358.